The following is an entry in ClinVar:

NM_024408.4(NOTCH2):c.4860-3C>T

Gene: NOTCH2 (notch receptor 2; minus strand). Cytogenetic location: 1p12.
Variant type: single nucleotide variant.
Coding change: c.4860-3C>T on transcript NM_024408.4 (MANE Select); 3 bases into the intron before coding-DNA position 4860, C replaced by T.
Molecular consequence: intron variant.
Genome position (GRCh38, 1-based): chr1:119,922,781, G>A on the plus strand (C>T on the coding strand, the complement: NOTCH2 is on the minus strand). VCF-style: chr1-119922781-G-A. GRCh37 (hg19) VCF-style: chr1-120465404-G-A.
Identifiers: ClinVar variation 593491 (VCV000593491.11), dbSNP rs752354633, ClinGen allele CA1039774.

ClinVar aggregate classification (germline): Conflicting classifications of pathogenicity. Review status: criteria provided, conflicting classifications (1 of 4 stars). 3 submissions from 3 submitters: Uncertain significance (2); Benign (1). Last evaluated 2025-11-27.

Conditions:
Hajdu-Cheney syndrome (HJCYS). Also called: Acroosteolysis dominant type; SERPENTINE FIBULA-POLYCYSTIC KIDNEY SYNDROME; ACROOSTEOLYSIS WITH OSTEOPOROSIS AND CHANGES IN SKULL AND MANDIBLE. Identifiers: Orphanet 955, MedGen C0917715, MONDO:0007057, OMIM 102500.

Allele frequency attached by ClinVar (database versions not stated): ExAC 0.00003; TOPMed 0.00004; gnomAD exomes 0.00005; gnomAD 0.00007.
gnomAD v4.1: 123 of 1,614,026 alleles (0.0076%); highest among the groups gnomAD compares: Non-Finnish European, 0.0099%; no homozygotes.

Submissions (3):

Labcorp Genetics (formerly Invitae), Labcorp
Classification: Uncertain significance for Hajdu-Cheney syndrome. Last evaluated: 2025-11-27. Review status: criteria provided, single submitter. Criteria: Invitae Variant Classification Sherloc (09022015). Collection method: clinical testing. Allele origin: germline.
Comment: This sequence change falls in intron 26 of the NOTCH2 gene. It does not directly change the encoded amino acid sequence of the NOTCH2 protein. It affects a nucleotide within the consensus splice site. This variant is present in population databases (rs752354633, gnomAD 0.009%). This variant has not been reported in the literature in individuals affected with NOTCH2-related conditions. ClinVar contains an entry for this variant (Variation ID: 593491). Variants that disrupt the consensus splice site are a relatively common cause of aberrant splicing (PMID: 17576681, 9536098). Algorithms developed to predict the effect of sequence changes on RNA splicing suggest that this variant is not likely to affect RNA splicing. In summary, the available evidence is currently insufficient to determine the role of this variant in disease. Therefore, it has been classified as a Variant of Uncertain Significance.

Laboratory of Genetics, Children's Clinical University Hospital Latvia
Classification: Benign. Last evaluated: 2025-02-16. Review status: criteria provided, single submitter. Criteria: ACMG Guidelines, 2015. Collection method: clinical testing. Allele origin: germline. Affected: yes.

Eurofins Ntd Llc (ga)
Classification: Uncertain significance. Last evaluated: 2017-07-31. Review status: criteria provided, single submitter. Criteria: EGL Classification Definitions 2015. Collection method: clinical testing. Allele origin: germline. Observed: 2 variant alleles, 2 heterozygotes.

Literature cited by the submitters: PubMed 17576681 (cited by Labcorp Genetics (formerly Invitae), Labcorp); PubMed 9536098 (cited by Labcorp Genetics (formerly Invitae), Labcorp).